The following is an entry in ClinVar:

ClinVar aggregate classification (germline): Uncertain significance (1 of 4 stars; one submission).

Submission:

GeneDx
Classification: Uncertain significance. Last evaluated: 2020-10-27. Review status: criteria provided, single submitter. Criteria: GeneDx Variant Classification Process June 2021. Collection method: clinical testing. Allele origin: germline. Affected: yes.
Comment: Not observed in large population cohorts (Lek et al., 2016); In silico analysis supports that this missense variant has a deleterious effect on protein structure/function; Has not been previously published as pathogenic or benign to our knowledge

NM_005422.4(TECTA):c.1750G>T (p.Asp584Tyr)

Genes: TBCEL-TECTA (TBCEL-TECTA readthrough; plus strand), TECTA (tectorin alpha; plus strand). Cytogenetic location: 11q23.3.
Variant type: single nucleotide variant.
Coding change: c.1750G>T on transcript NM_005422.4 (MANE Select); coding-DNA position 1750, G replaced by T.
Protein change: p.Asp584Tyr; replaces aspartic acid 584 with tyrosine.
Molecular consequence: missense variant.
Genome position (GRCh38, 1-based): chr11:121,125,848, G>T. VCF-style: chr11-121125848-G-T. GRCh37 (hg19) VCF-style: chr11-120996557-G-T.
Other names: c.2707G>T, p.Asp903Tyr (NM_001378761.1); short protein forms D584Y, D903Y.
Identifiers: ClinVar variation 1313445 (VCV001313445.2), dbSNP rs2135078315, ClinGen allele CA383012702.